The following is an entry in ClinVar:

ClinVar aggregate classification (germline): Conflicting classifications of pathogenicity. Review status: criteria provided, conflicting classifications (1 of 4 stars). 6 submissions from 6 submitters: Uncertain significance (4); Likely benign (1). 1 of the submissions does not count toward it. Last evaluated 2025-10-13.

Conditions:
Primary ciliary dyskinesia. Also called: Ciliary dyskinesia. Identifiers: Orphanet 244, MedGen C0008780, MONDO:0016575, HP:0012265.
Primary ciliary dyskinesia 15. Also called: CILIARY DYSKINESIA, PRIMARY, 15, WITH OR WITHOUT SITUS INVERSUS. Identifiers: Orphanet 244, MedGen C3151137, MONDO:0013435, OMIM 613808.

Allele frequency attached by ClinVar (database versions not stated): TOPMed 0.00003; gnomAD 0.00004 and 0.00005; gnomAD exomes 0.00004; ExAC 0.00007.
gnomAD v4.1: 143 of 1,613,860 alleles (0.0089%); highest among the groups gnomAD compares: Non-Finnish European, 0.012%; no homozygotes.

Submissions (6):

Labcorp Genetics (formerly Invitae), Labcorp
Classification: Likely benign for Primary ciliary dyskinesia. Last evaluated: 2025-10-13. Review status: criteria provided, single submitter. Criteria: Invitae Variant Classification Sherloc (09022015). Collection method: clinical testing. Allele origin: germline.

ARUP Laboratories, Molecular Genetics and Genomics, ARUP Laboratories
Classification: Uncertain significance for Primary ciliary dyskinesia 15. Last evaluated: 2024-09-09. Review status: criteria provided, single submitter. Criteria: ARUP Molecular Germline Variant Investigation Process 2024. Collection method: clinical testing. Allele origin: germline.
Comment: The CCDC40 c.940-7G>A variant (rs727504972), to our knowledge, is not reported in the medical literature but is reported in ClinVar (Variation ID: 179591). This variant is found in the non-Finnish European population with an allele frequency of 0.009% (11/128,576 alleles) in the Genome Aggregation Database (v2.1.1). This is an intronic variant and computational analyses (Alamut Visual Plus v.1.5.1) predict that this variant may impact splicing by creating a novel cryptic acceptor splice site and weakening the nearby canonical acceptor splice site. However, given the lack of clinical and functional data, the significance of this variant is uncertain at this time.

GeneDx
Classification: Uncertain significance. Last evaluated: 2023-03-03. Review status: criteria provided, single submitter. Criteria: GeneDx Variant Classification Process June 2021. Collection method: clinical testing. Allele origin: germline. Affected: yes.
Comment: In silico analysis supports a deleterious effect on splicing; Has not been previously published as pathogenic or benign to our knowledge

Illumina Laboratory Services, Illumina
Classification: Uncertain significance for Primary ciliary dyskinesia 15. Last evaluated: 2018-01-12. Review status: criteria provided, single submitter. Criteria: ICSL Variant Classification Criteria 13 December 2019. Collection method: clinical testing. Allele origin: germline.

Laboratory for Molecular Medicine, Mass General Brigham Personalized Medicine
Classification: Uncertain significance. Last evaluated: 2014-02-21. Review status: criteria provided, single submitter. Criteria: LMM Criteria. Collection method: clinical testing. Allele origin: germline. Observed: 1 variant allele.
Comment: The c.940-7G>A variant in CCDC40 has not been previously reported in individuals with pulmonary disease. Data from large population studies is insufficient to a ssess the frequency of this variant. This variant is located in the 3' splice re gion. Computational tools strongly suggest an impact to splicing; however, this information is not predictive enough to determine pathogenicity. In summary, add itional studies are needed to fully assess its clinical significance.

Department of Pathology and Laboratory Medicine, Sinai Health System
Classification: Uncertain significance. Review status: no assertion criteria provided. Collection method: clinical testing. Allele origin: unknown. Affected: yes. Study: The Canadian Open Genetics Repository (COGR). Not counted in ClinVar's aggregate classification.
Comment: The CCDC40 c.940-7G>A variant was not identified in the literature nor was it identified in Cosmic. The variant was identified in dbSNP (ID: rs727504972), ClinVar (classified as a VUS by Laboratory for Molecular Medicine and Illumina) and LOVD 3.0 (classified as a VUS). The variant was identified in control databases in 12 of 280788 chromosomes at a frequency of 0.000043 (Genome Aggregation Database Feb 27, 2017). The variant was observed in the following populations: European (non-Finnish) in 11 of 128576 chromosomes (freq: 0.000086) and European (Finnish) in 1 of 25020 chromosomes (freq: 0.00004), but was not observed in the African, Latino, Ashkenazi Jewish, East Asian, Other or South Asian populations. The c.940-7G>A variant is located in the 3' splice region but does not affect the invariant -1 and -2 positions. However, positions -3 and -5 to -12 are part of the splicing consensus sequence and variants involving these positions sometimes affect splicing. In addition, four of four in silico or computational prediction software programs (SpliceSiteFinder, MaxEntScan, NNSPLICE, GeneSplicer) predict a greater than 10% difference in splicing and the creation of a novel 3' splice site. However this splicing prediction has not been confirmed by RNA analysis. In summary, based on the above information the clinical significance of this variant cannot be determined with certainty at this time. This variant is classified as a variant of uncertain significance.

NM_017950.4(CCDC40):c.940-7G>A

Gene: CCDC40 (coiled-coil domain 40 molecular ruler complex subunit; plus strand). Cytogenetic location: 17q25.3.
Variant type: single nucleotide variant.
Coding change: c.940-7G>A on transcript NM_017950.4 (MANE Select); 7 bases into the intron before coding-DNA position 940, G replaced by A.
Molecular consequence: intron variant.
Genome position (GRCh38, 1-based): chr17:80,050,057, G>A. VCF-style: chr17-80050057-G-A. GRCh37 (hg19) VCF-style: chr17-78023856-G-A.
Other names: c.940-7G>A (NM_001243342.2, NM_001330508.2).
Identifiers: ClinVar variation 179591 (VCV000179591.20), dbSNP rs727504972, ClinGen allele CA184732.